The following is an entry in ClinVar:

NM_020529.3(NFKBIA):c.469C>G (p.Leu157Val)

Gene: NFKBIA (NFKB inhibitor alpha; minus strand). Cytogenetic location: 14q13.2.
Variant type: single nucleotide variant.
Coding change: c.469C>G on transcript NM_020529.3 (MANE Select); coding-DNA position 469, C replaced by G.
Protein change: p.Leu157Val; replaces leucine 157 with valine.
Molecular consequence: missense variant.
Genome position (GRCh38, 1-based): chr14:35,403,228, G>C on the plus strand (C>G on the coding strand, the complement: NFKBIA is on the minus strand). VCF-style: chr14-35403228-G-C. GRCh37 (hg19) VCF-style: chr14-35872434-G-C.
Other names: short protein forms L157V.
Identifiers: ClinVar variation 3672974 (VCV003672974.3).

ClinVar aggregate classification (germline): Uncertain significance. Review status: criteria provided, multiple submitters, no conflicts (2 of 4 stars). 2 submissions from 2 submitters: Uncertain significance (2). Last evaluated 2025-03-20.

Conditions:
Ectodermal dysplasia and immunodeficiency 2. Identifiers: Orphanet 238468, Orphanet 98813, MedGen C2677481, MONDO:0012806, OMIM 612132.

gnomAD v4.1: 5 of 1,613,020 alleles (0.00031%); highest among the groups gnomAD compares: Non-Finnish European, 0.00042%; no homozygotes.

Submissions (2):

GeneDx
Classification: Uncertain significance. Last evaluated: 2025-03-20. Review status: criteria provided, single submitter. Criteria: GeneDx Variant Classification Process June 2021. Collection method: clinical testing. Allele origin: germline. Affected: yes.
Comment: Not observed at significant frequency in large population cohorts (gnomAD); In silico analysis indicates that this missense variant does not alter protein structure/function; Has not been previously published as pathogenic or benign to our knowledge

Labcorp Genetics (formerly Invitae), Labcorp
Classification: Uncertain significance for Ectodermal dysplasia and immunodeficiency 2. Last evaluated: 2024-07-01. Review status: criteria provided, single submitter. Criteria: Invitae Variant Classification Sherloc (09022015). Collection method: clinical testing. Allele origin: germline.
Comment: This sequence change replaces leucine, which is neutral and non-polar, with valine, which is neutral and non-polar, at codon 157 of the NFKBIA protein (p.Leu157Val). This variant is not present in population databases (gnomAD no frequency). This variant has not been reported in the literature in individuals affected with NFKBIA-related conditions. An algorithm developed to predict the effect of missense changes on protein structure and function (PolyPhen-2) suggests that this variant is likely to be tolerated. In summary, the available evidence is currently insufficient to determine the role of this variant in disease. Therefore, it has been classified as a Variant of Uncertain Significance.